The following is an entry in ClinVar:

NM_032581.4(HYCC1):c.86C>A (p.Thr29Lys)

Gene: HYCC1 (hyccin PI4KA lipid kinase complex subunit 1; minus strand). Cytogenetic location: 7p15.3.
Variant type: single nucleotide variant.
Coding change: c.86C>A on transcript NM_032581.4 (MANE Select); coding-DNA position 86, C replaced by A.
Protein change: p.Thr29Lys; replaces threonine 29 with lysine.
Molecular consequence: missense variant.
Genome position (GRCh38, 1-based): chr7:22,984,011, G>T on the plus strand (C>A on the coding strand, the complement: HYCC1 is on the minus strand). VCF-style: chr7-22984011-G-T. GRCh37 (hg19) VCF-style: chr7-23023630-G-T.
Other names: c.86C>A, p.Thr29Lys (NM_001363466.2, NM_001363467.2); short protein forms T29K.
Identifiers: ClinVar variation 2187904 (VCV002187904.4), dbSNP rs1387149898, ClinGen allele CA366979002.

ClinVar aggregate classification (germline): Uncertain significance (1 of 4 stars; one submission).

Conditions:
Hypomyelination and Congenital Cataract (HLD5). Also called: hypomyelinating leukodystrophy 5. Identifiers: Orphanet 85163, MedGen C1864663, MONDO:0012514, OMIM 610532.

Allele frequency attached by ClinVar (database versions not stated): TOPMed below 0.00001.

Submission:

Labcorp Genetics (formerly Invitae), Labcorp
Classification: Uncertain significance for Hypomyelination and Congenital Cataract. Last evaluated: 2022-10-10. Review status: criteria provided, single submitter. Criteria: Invitae Variant Classification Sherloc (09022015). Collection method: clinical testing. Allele origin: germline.
Comment: In summary, the available evidence is currently insufficient to determine the role of this variant in disease. Therefore, it has been classified as a Variant of Uncertain Significance. Advanced modeling of protein sequence and biophysical properties (such as structural, functional, and spatial information, amino acid conservation, physicochemical variation, residue mobility, and thermodynamic stability) performed at Invitae indicates that this missense variant is not expected to disrupt FAM126A protein function. This variant has not been reported in the literature in individuals affected with FAM126A-related conditions. This variant is not present in population databases (gnomAD no frequency). This sequence change replaces threonine, which is neutral and polar, with lysine, which is basic and polar, at codon 29 of the FAM126A protein (p.Thr29Lys).